The following is an entry in ClinVar:

ClinVar aggregate classification (germline): Benign (1 of 4 stars; one submission).

Conditions:
Familial adenomatous polyposis 1 (FAP1). Also called: FAMILIAL ADENOMATOUS POLYPOSIS 1, ATTENUATED; POLYPOSIS, ADENOMATOUS INTESTINAL. Identifiers: MedGen C2713442, MONDO:0021056, OMIM 175100. Disease mechanism: loss of function.

Submission:

Myriad Genetics, Inc.
Classification: Benign for Familial adenomatous polyposis 1. Last evaluated: 2024-04-10. Review status: criteria provided, single submitter. Criteria: Myriad Autosomal Dominant, Autosomal Recessive and X-Linked Classification Criteria (2023). Collection method: clinical testing. Allele origin: unknown.
Comment: This variant is considered benign. This variant is a silent/synonymous amino acid change and it is not expected to impact splicing.

NM_000038.6(APC):c.7638C>A (p.Thr2546=)

Gene: APC (APC regulator of Wnt signaling pathway; plus strand). Cytogenetic location: 5q22.2.
Variant type: single nucleotide variant.
Coding change: c.7638C>A on transcript NM_000038.6 (MANE Select); coding-DNA position 7638, C replaced by A.
Protein change: p.Thr2546=; no amino-acid change (threonine 2546 retained).
Molecular consequence: synonymous variant. On other transcripts: non-coding transcript variant (2).
Genome position (GRCh38, 1-based): chr5:112,843,232, C>A. VCF-style: chr5-112843232-C-A. GRCh37 (hg19) VCF-style: chr5-112178929-C-A.
Other names: c.7638C>A, p.Thr2546= (NM_001127510.3, NM_001354895.2, NM_001407450.1); c.7584C>A, p.Thr2528= (NM_001127511.3); c.7692C>A, p.Thr2564= (NM_001354896.2, NM_001407447.1, NM_001407448.1 and 1 more transcripts); c.7668C>A, p.Thr2556= (NM_001354897.2); c.7563C>A, p.Thr2521= (NM_001354898.2); c.7554C>A, p.Thr2518= (NM_001354899.2); c.7515C>A, p.Thr2505= (NM_001354900.2); c.7461C>A, p.Thr2487= (NM_001354901.2, NM_001407453.1); and 11 more.
Identifiers: ClinVar variation 3254475 (VCV003254475.1), dbSNP rs1320719611.
Genomic context (GRCh38, chr5:112,843,232, plus strand): 5'-TGATATTGCACGGTCTCATTCTGAAAGTCCTTCTAGACTTCCAATCAATAGGTCAGGAAC[C>A]TGGAAACGTGAGCACAGCAAACATTCATCATCCCTTCCTCGAGTAAGCACTTGGAGAAGA-3'
Protein context (NP_000029.2, residues 2536-2556): PSRLPINRSG[Thr2546=]WKREHSKHSS